The following is an entry in ClinVar:

NM_003680.4(YARS1):c.821-1G>C

Genes: YARS1 (tyrosyl-tRNA synthetase 1; minus strand), LOC126805688 (BRD4-independent group 4 enhancer GRCh37_chr1:33251929-33253128; plus strand). Cytogenetic location: 1p35.1.
Variant type: single nucleotide variant.
Coding change: c.821-1G>C on transcript NM_003680.4 (MANE Select); the canonical splice acceptor site of the intron before coding-DNA position 821, G replaced by C.
Molecular consequence: splice acceptor variant.
Genome position (GRCh38, 1-based): chr1:32,786,448, C>G on the plus strand (G>C on the coding strand, the complement: YARS1 is on the minus strand). VCF-style: chr1-32786448-C-G. GRCh37 (hg19) VCF-style: chr1-33252049-C-G.
Identifiers: ClinVar variation 1315737 (VCV001315737.2), dbSNP rs754175779, ClinGen allele CA745078.

ClinVar aggregate classification (germline): Uncertain significance (1 of 4 stars; one submission).

Allele frequency attached by ClinVar (database versions not stated): gnomAD exomes below 0.00001; ExAC 0.00001; TOPMed 0.00001.
gnomAD v4.1: 6 of 1,613,310 alleles (0.00037%); highest among the groups gnomAD compares: Non-Finnish European, 0.00051%; no homozygotes.

Submission:

GeneDx
Classification: Uncertain significance. Last evaluated: 2023-01-10. Review status: criteria provided, single submitter. Criteria: GeneDx Variant Classification Process June 2021. Collection method: clinical testing. Allele origin: germline. Affected: yes.
Comment: Not observed at a significant frequency in large population cohorts (gnomAD); Canonical splice site variant in a gene for which loss-of-function is not a known mechanism of disease; Has not been previously published as pathogenic or benign to our knowledge